The following is an entry in ClinVar:

NM_000179.3(MSH6):c.3012A>G (p.Lys1004=)

Gene: MSH6 (mutS homolog 6; plus strand). Cytogenetic location: 2p16.3.
Variant type: single nucleotide variant.
Coding change: c.3012A>G on transcript NM_000179.3 (MANE Select); coding-DNA position 3012, A replaced by G.
Protein change: p.Lys1004=; no amino-acid change (lysine 1004 retained).
Molecular consequence: synonymous variant.
Genome position (GRCh38, 1-based): chr2:47,800,995, A>G. VCF-style: chr2-47800995-A-G. GRCh37 (hg19) VCF-style: chr2-48028134-A-G.
Other names: c.2622A>G, p.Lys874= (NM_001281492.2); c.2106A>G, p.Lys702= (NM_001281493.2, NM_001281494.2).
Identifiers: ClinVar variation 220098 (VCV000220098.23), dbSNP rs864622378, ClinGen allele CA350194.

ClinVar aggregate classification (germline): Benign/Likely benign. Review status: criteria provided, multiple submitters, no conflicts (2 of 4 stars). 8 submissions from 8 submitters: Benign (1); Likely benign (6). 1 of the submissions does not count toward it. Last evaluated 2025-03-17.

Conditions:
MSH6-related disorder. Also called: MSH6-Related disorders; MSH6-related condition.
Hereditary nonpolyposis colorectal neoplasms. Identifiers: MedGen C0009405, MeSH D003123.
Hereditary cancer-predisposing syndrome. Also called: Hereditary neoplastic syndrome; Tumor predisposition; Hereditary Cancer Syndrome; Neoplastic Syndromes, Hereditary. Identifiers: Orphanet 140162, MedGen C0027672, MeSH D009386, MONDO:0015356.
Lynch syndrome. Identifiers: Orphanet 144, MedGen C4552100, MONDO:0005835. Disease mechanism: loss of function.
Lynch syndrome 5 (LYNCH5). Also called: Colorectal cancer, hereditary nonpolyposis, type 5; Hereditary non-polyposis colorectal cancer, type 5. Identifiers: Orphanet 144, MedGen C1833477, MONDO:0013710, OMIM 614350. Disease mechanism: loss of function.

Allele frequency attached by ClinVar (database versions not stated): gnomAD exomes below 0.00001.
gnomAD v4.1: 1 of 1,562,352 alleles (0.000064%); highest among the groups gnomAD compares: Non-Finnish European, 0.000086%; no homozygotes.

Submissions (8):

Labcorp Genetics (formerly Invitae), Labcorp
Classification: Likely benign for Hereditary nonpolyposis colorectal neoplasms. Last evaluated: 2025-03-17. Review status: criteria provided, single submitter. Criteria: Invitae Variant Classification Sherloc (09022015). Collection method: clinical testing. Allele origin: germline.

Myriad Genetics, Inc.
Classification: Benign for Lynch syndrome 5. Last evaluated: 2025-01-02. Review status: criteria provided, single submitter. Criteria: Myriad Autosomal Dominant, Autosomal Recessive and X-Linked Classification Criteria (2023). Collection method: clinical testing. Allele origin: unknown.
Comment: This variant is considered benign. This variant is a silent/synonymous amino acid change and it is not expected to impact splicing.

All of Us Research Program, National Institutes of Health
Classification: Likely benign for Lynch syndrome. Last evaluated: 2023-10-27. Review status: criteria provided, single submitter. Criteria: ACMG Guidelines, 2015. Collection method: clinical testing. Allele origin: germline. Inheritance: Autosomal dominant inheritance. Observed: 1 variant allele, 1 heterozygote.
Comment: This study involves interpretation of variants in research participants for the purpose of population health screening. Participant phenotype was not available at the time of variant classification. Additional details can be found in publication PMID: 35346344, PMCID: PMC8962531

Women's Health and Genetics/Laboratory Corporation of America, LabCorp
Classification: Likely benign. Last evaluated: 2021-12-20. Review status: criteria provided, single submitter. Criteria: LabCorp Variant Classification Summary - May 2015. Collection method: clinical testing. Allele origin: germline.

Color Diagnostics, LLC DBA Color Health
Classification: Likely benign for Hereditary cancer-predisposing syndrome. Last evaluated: 2019-01-23. Review status: criteria provided, single submitter. Criteria: ACMG Guidelines, 2015. Collection method: clinical testing. Allele origin: germline.

GeneDx
Classification: Likely benign. Last evaluated: 2018-01-24. Review status: criteria provided, single submitter. Criteria: GeneDx Variant Classification (06012015). Collection method: clinical testing. Allele origin: germline. Affected: yes.
Comment: This variant is considered likely benign or benign based on one or more of the following criteria: it is a conservative change, it occurs at a poorly conserved position in the protein, it is predicted to be benign by multiple in silico algorithms, and/or has population frequency not consistent with disease.

Ambry Genetics
Classification: Likely benign for Hereditary cancer-predisposing syndrome. Last evaluated: 2017-09-11. Review status: criteria provided, single submitter. Criteria: Ambry Variant Classification Scheme 2023. Collection method: clinical testing. Allele origin: germline.

PreventionGenetics, part of Exact Sciences
Classification: Likely benign for MSH6-related condition. Last evaluated: 2021-11-09. Review status: no assertion criteria provided. Collection method: clinical testing. Allele origin: germline. Not counted in ClinVar's aggregate classification.
Comment: This variant is classified as likely benign based on ACMG/AMP sequence variant interpretation guidelines (Richards et al. 2015 PMID: 25741868, with internal and published modifications).